The following is an entry in ClinVar:

NM_000051.4(ATM):c.2565G>C (p.Met855Ile)

Gene: ATM (ATM serine/threonine kinase; plus strand). Cytogenetic location: 11q22.3.
Variant type: single nucleotide variant.
Coding change: c.2565G>C on transcript NM_000051.4 (MANE Select); coding-DNA position 2565, G replaced by C.
Protein change: p.Met855Ile; replaces methionine 855 with isoleucine.
Molecular consequence: missense variant.
Genome position (GRCh38, 1-based): chr11:108,267,269, G>C. VCF-style: chr11-108267269-G-C. GRCh37 (hg19) VCF-style: chr11-108137996-G-C.
Other names: c.2565G>C, p.Met855Ile (NM_001351834.2); c.2565G>C (NM_000051.3); short protein forms M855I.
Identifiers: ClinVar variation 1037724 (VCV001037724.12), dbSNP rs2081308163, ClinGen allele CA382543819.

ClinVar aggregate classification (germline): Uncertain significance. Review status: criteria provided, multiple submitters, no conflicts (2 of 4 stars). 3 submissions from 3 submitters: Uncertain significance (3). Last evaluated 2025-09-13.

Conditions:
Hereditary cancer-predisposing syndrome. Also called: Neoplastic Syndromes, Hereditary; Hereditary Cancer Syndrome; Tumor predisposition; Hereditary neoplastic syndrome. Identifiers: Orphanet 140162, MedGen C0027672, MeSH D009386, MONDO:0015356.
Ataxia-telangiectasia syndrome (AT). Also called: Ataxia-telangiectasia, complementation group D; ATAXIA-TELANGIECTASIA, COMPLEMENTATION GROUP A; ATAXIA-TELANGIECTASIA, FRESNO VARIANT; Ataxia-telangiectasia; Ataxia-telangiectasia, complementation group E; LOUIS-BAR SYNDROME. Identifiers: Orphanet 100, MedGen C0004135, MONDO:0008840, OMIM 208900.

Submissions (3):

Labcorp Genetics (formerly Invitae), Labcorp
Classification: Uncertain significance for Ataxia-telangiectasia syndrome. Last evaluated: 2025-09-13. Review status: criteria provided, single submitter. Criteria: Invitae Variant Classification Sherloc (09022015). Collection method: clinical testing. Allele origin: germline.
Comment: This sequence change replaces methionine, which is neutral and non-polar, with isoleucine, which is neutral and non-polar, at codon 855 of the ATM protein (p.Met855Ile). This variant is not present in population databases (gnomAD no frequency). This variant has not been reported in the literature in individuals affected with ATM-related conditions. ClinVar contains an entry for this variant (Variation ID: 1037724). Invitae Evidence Modeling of protein sequence and biophysical properties (such as structural, functional, and spatial information, amino acid conservation, physicochemical variation, residue mobility, and thermodynamic stability) indicates that this missense variant is not expected to disrupt ATM protein function with a negative predictive value of 95%. In summary, the available evidence is currently insufficient to determine the role of this variant in disease. Therefore, it has been classified as a Variant of Uncertain Significance.

Center for Genomic Medicine, Rigshospitalet, Copenhagen University Hospital
Classification: Uncertain significance. Last evaluated: 2025-03-04. Review status: criteria provided, single submitter. Criteria: ACMG Guidelines, 2015. Collection method: clinical testing. Allele origin: germline.

Ambry Genetics
Classification: Uncertain significance for Hereditary cancer-predisposing syndrome. Last evaluated: 2022-12-07. Review status: criteria provided, single submitter. Criteria: Ambry Variant Classification Scheme 2023. Collection method: clinical testing. Allele origin: germline.
Comment: The p.M855I variant (also known as c.2565G>C), located in coding exon 16 of the ATM gene, results from a G to C substitution at nucleotide position 2565. The methionine at codon 855 is replaced by isoleucine, an amino acid with highly similar properties. This amino acid position is not well conserved in available vertebrate species. In addition, this alteration is predicted to be tolerated by in silico analysis. Since supporting evidence is limited at this time, the clinical significance of this alteration remains unclear.